The following is an entry in ClinVar:

ClinVar aggregate classification (germline): Uncertain significance. Review status: criteria provided, multiple submitters, no conflicts (2 of 4 stars). 2 submissions from 2 submitters: Uncertain significance (2). Last evaluated 2026-09-16.

Conditions:
Ehlers-Danlos syndrome, dermatosparaxis type. Also called: Ehlers-Danlos syndrome, type VII, autosomal recessive; EDS VIIC; Dermatosparaxis. Identifiers: Orphanet 1901, MedGen C2700425, MONDO:0009161, OMIM 225410.

Allele frequency attached by ClinVar (database versions not stated): gnomAD exomes 0.00001 and 0.00003; TOPMed 0.00002; gnomAD 0.00001.
gnomAD v4.1: 18 of 1,556,438 alleles (0.0012%); highest among the groups gnomAD compares: Middle Eastern, 0.034%; no homozygotes.

Submissions (2):

GeneDx
Classification: Uncertain significance. Last evaluated: 2026-09-16. Review status: criteria provided, single submitter. Criteria: GeneDx Variant Classification Process June 2021. Collection method: clinical testing. Allele origin: germline.
Comment: Not observed at significant frequency in large population cohorts (gnomAD); In silico analysis suggests that this missense variant does not alter protein structure/function; Has not been previously published as pathogenic or benign to our knowledge

Labcorp Genetics (formerly Invitae), Labcorp
Classification: Uncertain significance for Ehlers-Danlos syndrome, dermatosparaxis type. Last evaluated: 2021-08-28. Review status: criteria provided, single submitter. Criteria: Invitae Variant Classification Sherloc (09022015). Collection method: clinical testing. Allele origin: germline.
Comment: This sequence change replaces arginine with cysteine at codon 612 of the ADAMTS2 protein (p.Arg612Cys). The arginine residue is weakly conserved and there is a large physicochemical difference between arginine and cysteine. The frequency data for this variant in the population databases is considered unreliable, as metrics indicate poor data quality at this position in the ExAC database. This variant has not been reported in the literature in individuals affected with ADAMTS2-related conditions. Algorithms developed to predict the effect of missense changes on protein structure and function are either unavailable or do not agree on the potential impact of this missense change (SIFT: "Tolerated"; PolyPhen-2: "Possibly Damaging"; Align-GVGD: "Class C15"). In summary, the available evidence is currently insufficient to determine the role of this variant in disease. Therefore, it has been classified as a Variant of Uncertain Significance.

NM_014244.5(ADAMTS2):c.1834C>T (p.Arg612Cys)

Gene: ADAMTS2 (ADAM metallopeptidase with thrombospondin type 1 motif 2; minus strand). Cytogenetic location: 5q35.3.
Variant type: single nucleotide variant.
Coding change: c.1834C>T on transcript NM_014244.5 (MANE Select); coding-DNA position 1834, C replaced by T.
Protein change: p.Arg612Cys; replaces arginine 612 with cysteine.
Molecular consequence: missense variant.
Genome position (GRCh38, 1-based): chr5:179,137,886, G>A on the plus strand (C>T on the coding strand, the complement: ADAMTS2 is on the minus strand). VCF-style: chr5-179137886-G-A. GRCh37 (hg19) VCF-style: chr5-178564887-G-A.
Other names: short protein forms R612C.
Identifiers: ClinVar variation 1307175 (VCV001307175.7), dbSNP rs756757077, ClinGen allele CA3595766.